The following is an entry in ClinVar:

NM_133510.4(RAD51B):c.241G>A (p.Ala81Thr)

Gene: RAD51B (RAD51 paralog B; plus strand). Cytogenetic location: 14q24.1.
Variant type: single nucleotide variant.
Coding change: c.241G>A on transcript NM_133510.4 (MANE Select); coding-DNA position 241, G replaced by A.
Protein change: p.Ala81Thr; replaces alanine 81 with threonine.
Molecular consequence: missense variant. On other transcripts: 5 prime UTR variant (1).
Genome position (GRCh38, 1-based): chr14:67,835,122, G>A. VCF-style: chr14-67835122-G-A. GRCh37 (hg19) VCF-style: chr14-68301839-G-A.
Other names: c.241G>A, p.Ala81Thr (NM_001321809.2, NM_001321810.2, NM_001321812.1 and 6 more transcripts); c.127G>A, p.Ala43Thr (NM_001321815.1); c.-215G>A (NM_001321817.2); short protein forms A43T, A81T.
Identifiers: ClinVar variation 3429634 (VCV003429634.1).

ClinVar aggregate classification (germline): Uncertain significance (1 of 4 stars; one submission).

gnomAD v4.1: 3 of 1,613,944 alleles (0.00019%); highest among the groups gnomAD compares: Non-Finnish European, 0.00025%; no homozygotes.

Submission:

Ambry Genetics
Classification: Uncertain significance. Last evaluated: 2024-11-22. Review status: criteria provided, single submitter. Criteria: Ambry Variant Classification Scheme 2023. Collection method: clinical testing. Allele origin: germline.
Comment: The p.A81T variant (also known as c.241G>A), located in coding exon 3 of the RAD51B gene, results from a G to A substitution at nucleotide position 241. The alanine at codon 81 is replaced by threonine, an amino acid with similar properties. This amino acid position is conserved. In addition, this alteration is predicted to be tolerated by in silico analysis. Based on the available evidence, the clinical significance of this variant remains unclear.